The following is an entry in ClinVar:

ClinVar aggregate classification (germline): Uncertain significance. Review status: criteria provided, single submitter (1 of 4 stars). 2 submissions from 1 submitter: Uncertain significance (2). Last evaluated 2021-07-07.

Conditions:
Cardiovascular phenotype. Identifiers: MedGen CN230736.
Hereditary cancer-predisposing syndrome. Also called: Hereditary neoplastic syndrome; Hereditary Cancer Syndrome; Neoplastic Syndromes, Hereditary; Tumor predisposition. Identifiers: Orphanet 140162, MedGen C0027672, MeSH D009386, MONDO:0015356.

Allele frequency attached by ClinVar (database versions not stated): TOPMed below 0.00001; gnomAD 0.00001.
gnomAD v4.1: 1 of 1,613,974 alleles (0.000062%); no homozygotes.

Submissions (2):

Ambry Genetics
Classification: Uncertain significance for Cardiovascular phenotype; Hereditary cancer-predisposing syndrome. Last evaluated: 2021-07-07. Review status: criteria provided, single submitter. Criteria: Ambry Variant Classification Scheme 2023. Collection method: clinical testing. Allele origin: germline.

Ambry Genetics
Classification: Uncertain significance for Hereditary cancer-predisposing syndrome. Last evaluated: 2015-01-20. Review status: criteria provided, single submitter. Criteria: Ambry Autosomal Dominant and X-Linked criteria (10/2015). Collection method: clinical testing. Allele origin: germline. Observed: 1 variant allele.
Comment: The p.L2504V variant (also known as c.7510C>G), located in coding exon 51 of the NF1 gene, results from a C to G substitution at nucleotide position 7510. The leucine at codon 2504 is replaced by valine, an amino acid with highly similar properties. This variant was not reported in population based cohorts in the following databases: Database of Single Nucleotide Polymorphisms (dbSNP), NHLBI Exome Sequencing Project (ESP), and 1000 Genomes Project. In the ESP, this variant was not observed in 6503 samples (13006 alleles) with coverage at this position. To date, this alteration has been detected with an allele frequency of approximately 0.003% (greater than 30000 alleles tested) in our clinical cohort. This amino acid position is highly conserved in available vertebrate species. In addition, this alteration is predicted to be possibly damaging and tolerated by PolyPhen and SIFT in silico analyses, respectively. Since supporting evidence is limited at this time, the clinical significance of p.L2504V remains unclear.

NM_001042492.3(NF1):c.7510C>G (p.Leu2504Val)

Gene: NF1 (neurofibromin 1; plus strand). Cytogenetic location: 17q11.2.
Variant type: single nucleotide variant.
Coding change: c.7510C>G on transcript NM_001042492.3 (MANE Select); coding-DNA position 7510, C replaced by G.
Protein change: p.Leu2504Val; replaces leucine 2504 with valine.
Molecular consequence: missense variant.
Genome position (GRCh38, 1-based): chr17:31,352,309, C>G. VCF-style: chr17-31352309-C-G. GRCh37 (hg19) VCF-style: chr17-29679327-C-G.
Other names: c.7447C>G, p.Leu2483Val (NM_000267.4); short protein forms L2483V, L2504V.
Identifiers: ClinVar variation 230019 (VCV000230019.4), dbSNP rs876658333, ClinGen allele CA10580412.